The following is an entry in ClinVar:

NM_006005.3(WFS1):c.1760G>A (p.Arg587Gln)

Gene: WFS1 (wolframin ER transmembrane glycoprotein; plus strand). Cytogenetic location: 4p16.1.
Variant type: single nucleotide variant.
Coding change: c.1760G>A on transcript NM_006005.3 (MANE Select); coding-DNA position 1760, G replaced by A.
Protein change: p.Arg587Gln; replaces arginine 587 with glutamine.
Molecular consequence: missense variant.
Genome position (GRCh38, 1-based): chr4:6,301,555, G>A. VCF-style: chr4-6301555-G-A. GRCh37 (hg19) VCF-style: chr4-6303282-G-A.
Other names: c.1760G>A, p.Arg587Gln (NM_001145853.1); short protein forms R587Q.
Identifiers: ClinVar variation 215361 (VCV000215361.50), dbSNP rs71539657, ClinGen allele CA324347.

ClinVar aggregate classification (germline): Conflicting classifications of pathogenicity. Review status: criteria provided, conflicting classifications (1 of 4 stars). 15 submissions from 14 submitters: Uncertain significance (6); Benign (1); Likely benign (7). 1 of the submissions does not count toward it. Last evaluated 2026-08-01.

Conditions:
Type 2 diabetes mellitus. Also called: Type II diabetes mellitus. Identifiers: MedGen C0011860, MeSH D003924, MONDO:0005148, OMIM 125853, HP:0005978.
Wolfram syndrome 1 (WFS1). Identifiers: Orphanet 3463, MedGen C4551693, MONDO:0009101, OMIM 222300.
WFS1-related disorder. Identifiers: MedGen CN379391, MONDO:0700293.
WFS1-Related Spectrum Disorders.
Inborn genetic diseases. Identifiers: MedGen C0950123, MeSH D030342.
Monogenic diabetes. Identifiers: Orphanet 183625, MedGen C3888631, MONDO:0015967.
Autosomal dominant nonsyndromic hearing loss 6 (LFSNHL). Also called: DEAFNESS, AUTOSOMAL DOMINANT 6; DEAFNESS, AUTOSOMAL DOMINANT 14; DEAFNESS, AUTOSOMAL DOMINANT 38; Autosomal dominant nonsyndromic deafness 6. Identifiers: Orphanet 90635, MedGen C1833021, MONDO:0010963, OMIM 600965.
Optic atrophy. Identifiers: MedGen C0029124, MONDO:0003608, HP:0000648.

Allele frequency attached by ClinVar (database versions not stated): 1000 Genomes Project 30x 0.00016; 1000 Genomes Project 0.00020; gnomAD 0.00027 and 0.00028; ESP Exome Variant Server 0.00038; ExAC 0.00039; gnomAD exomes 0.00055; TOPMed 0.00058.
gnomAD v4.1: 458 of 1,614,076 alleles (0.028%); highest among the groups gnomAD compares: Middle Eastern, 0.23%; no homozygotes.

Submissions (15):

CeGaT Center for Human Genetics Tuebingen
Classification: Likely benign. Last evaluated: 2026-08-01. Review status: criteria provided, single submitter. Criteria: CeGaT Center For Human Genetics Tuebingen Variant Classification Criteria Version 2. Collection method: clinical testing. Allele origin: germline. Affected: yes. Observed: 2 variant alleles.
Comment: WFS1: BP4, BS1:Supporting

Labcorp Genetics (formerly Invitae), Labcorp
Classification: Likely benign. Last evaluated: 2025-12-30. Review status: criteria provided, single submitter. Criteria: Invitae Variant Classification Sherloc (09022015). Collection method: clinical testing. Allele origin: germline.

Women's Health and Genetics/Laboratory Corporation of America, LabCorp
Classification: Likely benign. Last evaluated: 2025-11-12. Review status: criteria provided, single submitter. Criteria: LabCorp Variant Classification Summary - May 2015. Collection method: clinical testing. Allele origin: germline.
Comment: Variant summary: WFS1 c.1760G>A (p.Arg587Gln) results in a conservative amino acid change in the encoded protein sequence. Algorithms developed to predict the effect of missense changes on protein structure and function all suggest that this variant is likely to be tolerated. The variant allele was found at a frequency of 0.00055 in 251378 control chromosomes, predominantly at a frequency of 0.0035 within the Ashkenazi Jewish subpopulation in the gnomAD database. The observed variant frequency within Ashkenazi Jewish control individuals in the gnomAD database exceeds the estimated maximal expected allele frequency for disease-causing variants in WFS1. c.1760G>A has been observed at a homozygous state in one individual affected with Wolfram Syndrome 1. These report(s) do not provide unequivocal conclusions about association of the variant with Wolfram Syndrome 1. To our knowledge, no experimental evidence demonstrating an impact on protein function has been reported. The following publication has been ascertained in the context of this evaluation (PMID: 29549887). ClinVar contains an entry for this variant (Variation ID: 215361). Based on the evidence outlined above, the variant was classified as likely benign.

Blueprint Genetics
Classification: Likely benign. Last evaluated: 2024-11-01. Review status: criteria provided, single submitter. Criteria: ACMG Guidelines, 2015. Collection method: clinical testing. Allele origin: germline.

ARUP Laboratories, Molecular Genetics and Genomics, ARUP Laboratories
Classification: Uncertain significance. Last evaluated: 2024-03-28. Review status: criteria provided, single submitter. Criteria: ARUP Molecular Germline Variant Investigation Process 2024. Collection method: clinical testing. Allele origin: germline.
Comment: The WFS1 c.1760G>A; p.Arg587Gln variant (rs71539657) is reported in the literature in a homozygous individual with vision loss and type 1 diabetes (Li 2018). This variant is reported in ClinVar (Variation ID: 215361). This variant is found in the general population with an overall allele frequency of 0.05% (144/282,766 alleles) in the Genome Aggregation Database (v2.1.1). Computational analyses predict that this variant is neutral (REVEL: 0.119). While the high population frequency suggests that this is likely a benign variant, given the limited clinical data and lack of functional data, the significance of this variant is uncertain at this time. References: Li M et al. A novel mutation of WFS1 gene in a Chinese patient with Wolfram syndrome: a case report. BMC Pediatr. 2018 Mar 17;18(1):116. PMID: 29549887.

New York Genome Center
Classification: Uncertain significance for Wolfram syndrome 1; Type 2 diabetes mellitus. Last evaluated: 2022-06-17. Review status: criteria provided, single submitter. Criteria: NYGC Assertion Criteria 2020. Collection method: clinical testing. Allele origin: germline. Observed: 1 heterozygote.

Ambry Genetics
Classification: Likely benign for Inborn genetic diseases. Last evaluated: 2021-03-31. Review status: criteria provided, single submitter. Criteria: Ambry Variant Classification Scheme 2023. Collection method: clinical testing. Allele origin: germline.

Eurofins Ntd Llc (ga)
Classification: Uncertain significance. Last evaluated: 2018-05-29. Review status: criteria provided, single submitter. Criteria: EGL ClinVar v180209 classification definitions. Collection method: clinical testing. Allele origin: germline. Observed: 2 variant alleles, 2 heterozygotes.

Illumina Laboratory Services, Illumina
Classification: Likely benign for Autosomal dominant nonsyndromic hearing loss 6. Last evaluated: 2018-01-12. Review status: criteria provided, single submitter. Criteria: ICSL Variant Classification Criteria 13 December 2019. Collection method: clinical testing. Allele origin: germline.
Comment: This variant was observed in the ICSL laboratory as part of a predisposition screen in an ostensibly healthy population. It had not been previously curated by ICSL or reported in the Human Gene Mutation Database (HGMD: prior to June 1st, 2018), and was therefore a candidate for classification through an automated scoring system. Utilizing variant allele frequency, disease prevalence and penetrance estimates, and inheritance mode, an automated score was calculated to assess if this variant is too frequent to cause the disease. Based on the score and internal cut-off values, a variant classified as likely benign is not then subjected to further curation. The score for this variant resulted in a classification of likely benign for this disease.

Illumina Laboratory Services, Illumina
Classification: Uncertain significance for WFS1-Related Spectrum Disorders. Last evaluated: 2018-01-12. Review status: criteria provided, single submitter. Criteria: ICSL Variant Classification Criteria 13 December 2019. Collection method: clinical testing. Allele origin: germline.

Institute of Human Genetics, Univ. Regensburg, Univ. Regensburg
Classification: Uncertain significance for Optic atrophy. Last evaluated: 2018-01-01. Review status: criteria provided, single submitter. Criteria: ACMG Guidelines, 2015. Collection method: clinical testing. Allele origin: germline. Affected: yes.

Laboratory for Molecular Medicine, Mass General Brigham Personalized Medicine
Classification: Benign. Last evaluated: 2017-05-02. Review status: criteria provided, single submitter. Criteria: LMM Criteria. Collection method: clinical testing. Allele origin: germline. Observed: 3 variant alleles.
Comment: p.Arg587Gln in exon 8 of WFS1: This variant is not expected to have clinical sig nificance because of its frequency in the general population and the lack of con servation of the amino acid. It has been identified in 0.4% (37/10152) of Ashke nazi Jewish chromosomes Genome Aggregation Database (gnomAD; dbSNP rs71539657). The arginine (Arg) at position 587 is not cons erved across species with 1 mammal (bushbaby) and 10 fish species having a gluta mine (Gln). Additional computational prediction tools do not suggest an impact t o the protein.

Personalized Diabetes Medicine Program, University of Maryland School of Medicine
Classification: Likely benign for Monogenic diabetes. Last evaluated: 2016-10-07. Review status: criteria provided, single submitter. Criteria: ACMG Guidelines, 2015. Collection method: research. Allele origin: unknown. Observed: 1 variant allele, 1 heterozygote.
Comment: ACMG Criteria: BS2, BP4

GeneDx
Classification: Uncertain significance. Last evaluated: 2016-05-24. Review status: criteria provided, single submitter. Criteria: GeneDx Variant Classification (06012015). Collection method: clinical testing. Allele origin: germline. Affected: yes.
Comment: The R587Q variant has not been published as a pathogenic variant, nor has it been reported as a benign variant to our knowledge. The NHLBI Exome Sequencing Project reports R587Q was observed in 4/8,600 alleles from individuals of European background. The R587Q variant is a semi-conservative amino acid substitution, which may impact secondary protein structure as these residues differ in some properties. This substitution occurs at a position that is not conserved, and in silico analysis predicts this variant likely does not alter the protein structure/function. Therefore, based on the currently available information, it is unclear whether this variant is a pathogenic variant or a rare benign variant.

PreventionGenetics, part of Exact Sciences
Classification: Uncertain significance for WFS1-related condition. Last evaluated: 2024-08-05. Review status: no assertion criteria provided. Collection method: clinical testing. Allele origin: germline. Not counted in ClinVar's aggregate classification.
Comment: The WFS1 c.1760G>A variant is predicted to result in the amino acid substitution p.Arg587Gln. This variant was reported in the homozygous state in an individual with Wolfram syndrome (Li et al. 2018. PubMed ID: 29549887). This variant is reported in 0.36% of alleles in individuals of Ashkenazi Jewish descent in gnomAD. At this time, the clinical significance of this variant is uncertain due to the absence of conclusive functional and genetic evidence.

Literature cited by the submitters: PubMed 29549887 (cited by Women's Health and Genetics/Laboratory Corporation of America, LabCorp and Institute of Human Genetics, Univ. Regensburg, Univ. Regensburg); PubMed 3442652 (cited by Institute of Human Genetics, Univ. Regensburg, Univ. Regensburg).